The following is an entry in ClinVar:

ClinVar aggregate classification (germline): Likely pathogenic. Review status: criteria provided, multiple submitters, no conflicts (2 of 4 stars). 3 submissions from 3 submitters: Likely pathogenic (3). Last evaluated 2024-06-19.

Conditions:
Primary ciliary dyskinesia 3. Identifiers: Orphanet 244, MedGen C1837618, MONDO:0012085, OMIM 608644.
DNAH5-related disorders.
Primary ciliary dyskinesia. Also called: Ciliary dyskinesia. Identifiers: Orphanet 244, MedGen C0008780, MONDO:0016575, HP:0012265.

Submissions (3):

Natera, Inc.
Classification: Likely pathogenic for Primary ciliary dyskinesia. Last evaluated: 2024-06-19. Review status: criteria provided, single submitter. Criteria: Natera Variant Classification Schema (03/2026). Collection method: clinical testing. Allele origin: germline.
Comment: The c.9032_9033del variant in DNAH5 is a frameshift variant predicted to shift the reading frame beginning at codon 3011 and leads to a stop codon 6 codons downstream. This variant is expected to result in nonsense mediated decay, truncation, or a dysfunctional protein product. This variant is rare in the general population with a frequency below the threshold expected for the associated phenotype(s). Given the available evidence, this variant is classified as Likely Pathogenic.

Myriad Genetics, Inc.
Classification: Likely pathogenic for Primary ciliary dyskinesia 3. Last evaluated: 2022-03-06. Review status: criteria provided, single submitter. Criteria: Myriad Women's Health Autosomal Recessive and X-Linked Classification Criteria (2021). Collection method: clinical testing. Allele origin: unknown.
Comment: NM_001369.2(DNAH5):c.9032_9033delTT(F3011Yfs*6) is expected to be pathogenic in the context of DNAH5-related primary ciliary dyskinesia. This variant is predicted to lead to an abnormal or absent protein product due to the creation of a premature termination codon in DNAH5, a gene where loss-of-function variants are known to be pathogenic. Please note: this variant was assessed in the context of healthy population screening.

Blueprint Genetics
Classification: Likely pathogenic for DNAH5-related disorders. Last evaluated: 2021-03-31. Review status: criteria provided, single submitter. Criteria: ACMG Guidelines, 2015. Collection method: clinical testing. Allele origin: germline. Affected: yes. Observed: 1 variant allele.

NM_001369.3(DNAH5):c.9032_9033del (p.Phe3011fs)

Gene: DNAH5 (dynein axonemal heavy chain 5; minus strand). Cytogenetic location: 5p15.2.
Variant type: Deletion.
Coding change: c.9032_9033del on transcript NM_001369.3 (MANE Select); coding-DNA positions 9032 to 9033, 2 bases deleted (TT; older notation c.9032_9033delTT).
Protein change: p.Phe3011fs; shifts the reading frame from phenylalanine 3011.
Molecular consequence: frameshift variant.
Genome position (GRCh38, 1-based): chr5:13,777,274-13,777,275, AA deleted on the plus strand (TT on the coding strand, the reverse complement: DNAH5 is on the minus strand); deleting any 2 consecutive bases within chr5:13,777,274-13,777,277 gives the same sequence; the c. name uses the placement nearest the transcript's 3' end. VCF-style (leftmost placement, unchanged base first): chr5-13777273-TAA-T. GRCh37 (hg19) VCF-style: chr5-13777382-TAA-T.
Other names: c.9032_9033del (NM_001369.2); short protein forms F3011fs.
Identifiers: ClinVar variation 1725055 (VCV001725055.4), dbSNP rs2126813913, ClinGen allele CA2580072026.